The following is an entry in ClinVar:

NM_003742.4(ABCB11):c.1637A>G (p.Gln546Arg)

Gene: ABCB11 (ATP binding cassette subfamily B member 11; minus strand). Cytogenetic location: 2q31.1.
Variant type: single nucleotide variant.
Coding change: c.1637A>G on transcript NM_003742.4 (MANE Select); coding-DNA position 1637, A replaced by G.
Protein change: p.Gln546Arg; replaces glutamine 546 with arginine.
Molecular consequence: missense variant.
Genome position (GRCh38, 1-based): chr2:168,971,848, T>C on the plus strand (A>G on the coding strand, the complement: ABCB11 is on the minus strand). VCF-style: chr2-168971848-T-C. GRCh37 (hg19) VCF-style: chr2-169828358-T-C.
Other names: NM_003742.4:c.1637A>G; short protein forms Q546R.
Identifiers: ClinVar variation 3776862 (VCV003776862.2).

ClinVar aggregate classification (germline): Uncertain significance. Review status: criteria provided, multiple submitters, no conflicts (2 of 4 stars). 2 submissions from 2 submitters: Uncertain significance (2). Last evaluated 2026-04-14.

Conditions:
Progressive familial intrahepatic cholestasis type 2. Identifiers: Orphanet 79304, MedGen C3489789, MONDO:0011156, OMIM 601847.
Familial intrahepatic cholestasis. Identifiers: Orphanet 284385, MedGen CN296401, MONDO:0017290.

gnomAD v4.1: 1 of 1,612,398 alleles (0.000062%); highest among the groups gnomAD compares: South Asian, 0.0011%; no homozygotes.

Submissions (2):

Genomenon, Inc
Classification: Uncertain significance for Familial intrahepatic cholestasis. Last evaluated: 2026-04-14. Review status: criteria provided, single submitter. Criteria: Genomenon Sequence Variant Interpretation Standards - Updated. Collection method: curation. Allele origin: germline. Affected: yes.
Comment: ABCB11 p.Gln546Arg (c.1637A>G) is a missense variant that changes the amino acid at residue 546 from Glutamine to Arginine. This variant has been observed in at least one proband with an ABCB11-related disorder (PMID:32309332). It is absent or not present at a significant frequency in gnomAD. In silico models predict that this variant is possibly or probably damaging. In conclusion, we classify ABCB11 p.Gln546Arg (c.1637A>G) as a variant of uncertain significance.

Broad Center for Mendelian Genomics, Broad Institute of MIT and Harvard
Classification: Uncertain significance for Progressive familial intrahepatic cholestasis type 2. Last evaluated: 2025-01-27. Review status: criteria provided, single submitter. Criteria: ACMG Guidelines, 2015. Collection method: curation. Allele origin: germline. Inheritance: Autosomal recessive inheritance.
Comment: The p.Gln546Arg variant in ABCB11 has not been reported in the literature in individuals with BSEP deficiency, but has been identified in 0.001% (1/91034) of South Asian chromosomes by the Genome Aggregation Database (gnomAD). Although this variant has been seen in the general population in a heterozygous state, its frequency is low enough to be consistent with a recessive carrier frequency. Computational prediction tools, including splice predictors, and conservation analyses suggest that this variant may not impact the protein, though this information is not predictive enough to rule out pathogenicity. In summary, the clinical significance of the p.Gln546Arg variant is uncertain. ACMG/AMP Criteria applied: BP4, PM2_supporting (Richards 2015).

Literature cited by the submitters: PubMed 32309332 (cited by Genomenon, Inc).